The following is an entry in ClinVar:

ClinVar aggregate classification (germline): Pathogenic/Likely pathogenic. Review status: criteria provided, multiple submitters, no conflicts (2 of 4 stars). 6 submissions from 6 submitters: Pathogenic (5); Likely pathogenic (1). Last evaluated 2025-08-10.

Conditions:
MSH6-related disorder. Also called: MSH6-related condition; MSH6-Related disorders.
Hereditary cancer-predisposing syndrome. Also called: Neoplastic Syndromes, Hereditary; Tumor predisposition; Hereditary Cancer Syndrome; Hereditary neoplastic syndrome. Identifiers: Orphanet 140162, MedGen C0027672, MeSH D009386, MONDO:0015356.
Hereditary nonpolyposis colorectal neoplasms. Identifiers: MedGen C0009405, MeSH D003123.
Lynch syndrome. Identifiers: Orphanet 144, MedGen C4552100, MONDO:0005835. Disease mechanism: loss of function.
Lynch syndrome 5 (LYNCH5). Also called: Colorectal cancer, hereditary nonpolyposis, type 5; Hereditary non-polyposis colorectal cancer, type 5. Identifiers: Orphanet 144, MedGen C1833477, MONDO:0013710, OMIM 614350. Disease mechanism: loss of function.

Submissions (6):

Dasa
Classification: Pathogenic. Last evaluated: 2025-08-10. Review status: criteria provided, single submitter. Criteria: DASA Assertion Criteria. Collection method: clinical testing. Allele origin: germline.
Comment: NM_000179.3(MSH6):c.1630_1633del (p.Glu544Lysfs*26) is a frameshift variant in MSH6 predicted to alter the reading frame and introduce a premature termination codon and is predicted to result in an absent or altered protein product. Loss of function is an established disease mechanism for MSH6 (PMID: 9354786; PMID: 11709755; PMID: 14974087). Published studies describe this variant in association with related phenotype (PMID: 26099011; PMID: 30543514). Also, this variant is absent from population databases. Based on the currently available evidence, this variant is classified as pathogenic.

Department of Clinical Genetics, Copenhagen University Hospital, Rigshospitalet
Classification: Pathogenic for Lynch syndrome. Last evaluated: 2025-02-04. Review status: criteria provided, single submitter. Criteria: ACMG Guidelines, 2015. Collection method: clinical testing. Allele origin: germline.
Comment: PVS1; PM2_SUP; PP4_MOD

Labcorp Genetics (formerly Invitae), Labcorp
Classification: Pathogenic for Hereditary nonpolyposis colorectal neoplasms. Last evaluated: 2024-06-30. Review status: criteria provided, single submitter. Criteria: Invitae Variant Classification Sherloc (09022015). Collection method: clinical testing. Allele origin: germline.
Comment: This sequence change creates a premature translational stop signal (p.Glu544Lysfs*26) in the MSH6 gene. It is expected to result in an absent or disrupted protein product. Loss-of-function variants in MSH6 are known to be pathogenic (PMID: 18269114, 24362816). This variant is not present in population databases (gnomAD no frequency). This premature translational stop signal has been observed in individual(s) with Lynch syndrome (PMID: 30543514). This variant is also known as c.1627_1630delAAAG. ClinVar contains an entry for this variant (Variation ID: 819710). For these reasons, this variant has been classified as Pathogenic.

Myriad Genetics, Inc.
Classification: Pathogenic for Lynch syndrome 5. Last evaluated: 2023-08-15. Review status: criteria provided, single submitter. Criteria: Myriad Autosomal Dominant, Autosomal Recessive and X-Linked Classification Criteria (2023). Collection method: clinical testing. Allele origin: unknown.
Comment: This variant is considered pathogenic. This variant creates a frameshift predicted to result in premature protein truncation.

Ambry Genetics
Classification: Pathogenic for Hereditary cancer-predisposing syndrome. Last evaluated: 2023-05-05. Review status: criteria provided, single submitter. Criteria: Ambry Variant Classification Scheme 2023. Collection method: clinical testing. Allele origin: germline.
Comment: The c.1630_1633delGAAA pathogenic mutation, located in coding exon 4 of the MSH6 gene, results from a deletion of 4 nucleotides at nucleotide positions 1630 to 1633, causing a translational frameshift with a predicted alternate stop codon (p.E544Kfs*26). This mutation was observed in two patients with MSH6-absent tumors (Graham RP et al. Am. J. Surg. Pathol. 2015 Oct;39(10):1370-6). In addition to the clinical data presented in the literature, this alteration is expected to result in loss of function by premature protein truncation or nonsense-mediated mRNA decay. As such, this alteration is interpreted as a disease-causing mutation.

Blueprint Genetics
Classification: Likely pathogenic for MSH6-related disorders. Last evaluated: 2021-11-26. Review status: criteria provided, single submitter. Criteria: ACMG Guidelines, 2015. Collection method: clinical testing. Allele origin: germline. Affected: yes. Observed: 1 variant allele.

Literature cited by the submitters: PubMed 26099011 (cited by 3 submitters); PubMed 30543514 (cited by Dasa and Labcorp Genetics (formerly Invitae), Labcorp); PubMed 9354786 (cited by Dasa); PubMed 11709755 (cited by Dasa); PubMed 14974087 (cited by Dasa); PubMed 18269114 (cited by Labcorp Genetics (formerly Invitae), Labcorp); PubMed 24362816 (cited by Labcorp Genetics (formerly Invitae), Labcorp).

NM_000179.3(MSH6):c.1630_1633del (p.Glu544fs)

Gene: MSH6 (mutS homolog 6; plus strand). Cytogenetic location: 2p16.3.
Variant type: Deletion.
Coding change: c.1630_1633del on transcript NM_000179.3 (MANE Select); coding-DNA positions 1630 to 1633, 4 bases deleted (GAAA; older notation c.1630_1633delGAAA).
Protein change: p.Glu544fs; shifts the reading frame from glutamic acid 544.
Molecular consequence: frameshift variant.
Genome position (GRCh38, 1-based): chr2:47,799,613-47,799,616, GAAA deleted; deleting any 4 consecutive bases within chr2:47,799,610-47,799,616 gives the same sequence; the c. name uses the placement nearest the transcript's 3' end. VCF-style (leftmost placement, unchanged base first): chr2-47799609-CAAAG-C. GRCh37 (hg19) VCF-style: chr2-48026748-CAAAG-C.
Other names: c.1240_1243del, p.Glu414fs (NM_001281492.2); c.724_727del, p.Glu242fs (NM_001281493.2, NM_001281494.2); short protein forms E544fs, E414fs, E242fs.
Identifiers: ClinVar variation 819710 (VCV000819710.14), dbSNP rs1572723723, ClinGen allele CA915943919.